The following is an entry in ClinVar:

ClinVar aggregate classification (germline): Uncertain significance. Review status: criteria provided, multiple submitters, no conflicts (2 of 4 stars). 2 submissions from 2 submitters: Uncertain significance (2). Last evaluated 2025-04-14.

Conditions:
Koolen-de Vries syndrome (KDVS). Identifiers: Orphanet 96169, MedGen C1864871, MONDO:0012496, OMIM 610443.

gnomAD v4.1: 3 of 1,612,340 alleles (0.00019%); highest among the groups gnomAD compares: African/African-American, 0.0013%; no homozygotes.

Submissions (2):

Labcorp Genetics (formerly Invitae), Labcorp
Classification: Uncertain significance for Koolen-de Vries syndrome. Last evaluated: 2025-04-14. Review status: criteria provided, single submitter. Criteria: Invitae Variant Classification Sherloc (09022015). Collection method: clinical testing. Allele origin: germline.
Comment: This sequence change replaces asparagine, which is neutral and polar, with tyrosine, which is neutral and polar, at codon 782 of the KANSL1 protein (p.Asn782Tyr). This variant is present in population databases (rs761656788, gnomAD 0.009%). This variant has not been reported in the literature in individuals affected with KANSL1-related conditions. ClinVar contains an entry for this variant (Variation ID: 3582166). Invitae Evidence Modeling of protein sequence and biophysical properties (such as structural, functional, and spatial information, amino acid conservation, physicochemical variation, residue mobility, and thermodynamic stability) indicates that this missense variant is not expected to disrupt KANSL1 protein function with a negative predictive value of 80%. In summary, the available evidence is currently insufficient to determine the role of this variant in disease. Therefore, it has been classified as a Variant of Uncertain Significance.

Fulgent Genetics
Classification: Uncertain significance for Koolen-de Vries syndrome. Last evaluated: 2024-04-09. Review status: criteria provided, single submitter. Criteria: ACMG Guidelines, 2015. Collection method: clinical testing. Allele origin: germline.

NM_015443.4(KANSL1):c.2344A>T (p.Asn782Tyr)

Gene: KANSL1 (KAT8 regulatory NSL complex subunit 1). Cytogenetic location: 17q21.31.
Variant type: single nucleotide variant.
Coding change: c.2344A>T on transcript NM_015443.4 (MANE Select); coding-DNA position 2344, A replaced by T.
Protein change: p.Asn782Tyr; replaces asparagine 782 with tyrosine.
Molecular consequence: missense variant. On other transcripts: intron variant (8).
Genome position (GRCh38, 1-based): chr17:46,039,075, T>A on the plus strand (A>T on the coding strand, the complement: KANSL1 is on the minus strand). VCF-style: chr17-46039075-T-A. GRCh37 (hg19) VCF-style: chr17-44116441-T-A.
Other names: c.938-389A>T (NM_001405885.1, NM_001405884.1); c.2204-389A>T (NM_001405879.1, NM_001405875.1, NM_001405878.1 and 3 more transcripts); c.2344A>T, p.Asn782Tyr (NM_001193465.2, NM_001193466.2, NM_001379198.1 and 8 more transcripts); c.2242A>T, p.Asn748Tyr (NM_001405859.1, NM_001405860.1, NM_001405861.1 and 1 more transcripts); c.1078A>T, p.Asn360Tyr (NM_001405882.1, NM_001405883.1); short protein forms N360Y, N748Y, N782Y.
Identifiers: ClinVar variation 3582166 (VCV003582166.2).